The following is an entry in ClinVar:

NM_016038.4(SBDS):c.107del (p.Val36fs)

Gene: SBDS (SBDS ribosome maturation factor; minus strand). Cytogenetic location: 7q11.21.
Variant type: Deletion.
Coding change: c.107del on transcript NM_016038.4 (MANE Select); coding-DNA position 107, one base deleted (T; older notation c.107delT).
Protein change: p.Val36fs; shifts the reading frame from valine 36.
Molecular consequence: frameshift variant.
Genome position (GRCh38, 1-based): chr7:66,995,311, A deleted on the plus strand (T on the coding strand, the reverse complement: SBDS is on the minus strand). VCF-style (leftmost placement, unchanged base first): chr7-66995310-GA-G. GRCh37 (hg19) VCF-style: chr7-66460297-GA-G.
Other names: short protein forms V36fs.
Identifiers: ClinVar variation 2678592 (VCV002678592.3), dbSNP rs2536932418, ClinGen allele CA2578901540.
Genomic context (GRCh38, chr7:66,995,310, plus strand): 5'-CTCAGGCCCAGGCCCAGGCCCGAGGGAGGGGGCTACTCACACGCCGCTCCGCCAGCCGAC[GA>G]CCTTGTTTTTGTAGCAGGCGATTTCGAAGCGCTTCCCGGCACGCTTCATCCGTACCACGG-3'

ClinVar aggregate classification (germline): Pathogenic. Review status: criteria provided, multiple submitters, no conflicts (2 of 4 stars). 3 submissions from 3 submitters: Pathogenic (2). 1 of the submissions does not count toward it. Last evaluated 2025-09-11.

Conditions:
Shwachman-Diamond syndrome 1 (SDS1). Also called: LIPOMATOSIS OF PANCREAS, CONGENITAL. Identifiers: MedGen C4692625, MONDO:0044204, OMIM 260400.
Aplastic anemia. Identifiers: Orphanet 182040, Orphanet 88, MedGen C0002874, MONDO:0015909, OMIM 609135, HP:0001915.

Submissions (3):

Department of Human Genetics, Hannover Medical School
Classification: Pathogenic for Shwachman-Diamond syndrome 1. Last evaluated: 2025-09-11. Review status: criteria provided, single submitter. Criteria: ACMG Guidelines, 2015. Collection method: clinical testing. Allele origin: germline. Inheritance: Autosomal recessive inheritance. Affected: yes.
Comment: PVS1, PM2_Supporting, PP4_Strong

Baylor Genetics
Classification: Pathogenic for Aplastic anemia. Last evaluated: 2023-10-19. Review status: criteria provided, single submitter. Criteria: ACMG Guidelines, 2015. Collection method: clinical testing. Allele origin: unknown.

Laboratory of Immunopathology and Genetics, Medical Laboratory of Pediatric Oncology and Hematology, Central Clinical Hospital of the Medical University of Lodz
Classification: Pathogenic for Shwachman-Diamond syndrome 1. Last evaluated: 2024-12-01. Review status: no assertion criteria provided. Collection method: clinical testing. Allele origin: germline. Affected: yes. Observed: 1 variant allele. Not counted in ClinVar's aggregate classification.